The following is an entry in ClinVar:

ClinVar aggregate classification (germline): Likely pathogenic. Review status: criteria provided, multiple submitters, no conflicts (2 of 4 stars). 2 submissions from 2 submitters: Likely pathogenic (2). Last evaluated 2024-06-21.

Conditions:
KLHL7-related disorder. Also called: KLHL7-related condition; KLHL7-related disorders.
Retinitis pigmentosa 42 (RP42). Identifiers: Orphanet 791, MedGen C2751986, MONDO:0013052, OMIM 612943.
PERCHING syndrome (PERCHING). Also called: Cold-induced sweating syndrome 3. Identifiers: Orphanet 157820, Orphanet 603684, MedGen C4310742, MONDO:0014890, OMIM 617055.

Allele frequency attached by ClinVar (database versions not stated): gnomAD exomes below 0.00001.

Submissions (2):

Fulgent Genetics
Classification: Likely pathogenic for Retinitis pigmentosa 42; PERCHING syndrome. Last evaluated: 2024-06-21. Review status: criteria provided, single submitter. Criteria: ACMG Guidelines, 2015. Collection method: clinical testing. Allele origin: germline.

Rady Children's Institute for Genomic Medicine, Rady Children's Hospital San Diego
Classification: Likely pathogenic for KLHL7-related disorders. Review status: criteria provided, single submitter. Criteria: ACMG Guidelines, 2015. Collection method: clinical testing. Allele origin: germline. Affected: yes.
Comment: This frameshifting variant in exon 5 of 11 introduces a premature stop codon and is therefore predicted to result in loss of normal protein function through either protein truncation or nonsense-mediated mRNA decay (NMD). This variant has not been previously reported or functionally characterized in the literature to our knowledge. Loss-of-function variation in KLHL7 is an established mechanism of disease (PMID: 27392078, 29074562, 31953236). Based on the available evidence, the c.569dup (p.Thr191AsnfsTer19) variant is classified as Likely Pathogenic.

NM_001031710.3(KLHL7):c.569dup (p.Thr191fs)

Gene: KLHL7 (kelch like family member 7; plus strand). Cytogenetic location: 7p15.3.
Variant type: Duplication.
Coding change: c.569dup on transcript NM_001031710.3 (MANE Select); coding-DNA position 569, one base duplicated (T; older notation c.569dupT).
Protein change: p.Thr191fs; shifts the reading frame from threonine 191.
Molecular consequence: frameshift variant. On other transcripts: non-coding transcript variant (1).
Genome position (GRCh38, 1-based): chr7:23,140,895, T duplicated. VCF-style (leftmost placement, unchanged base first): chr7-23140894-G-GT. GRCh37 (hg19) VCF-style: chr7-23180513-G-GT.
Other names: c.425dup, p.Thr143fs (NM_018846.5); short protein forms T143fs, T191fs.
Identifiers: ClinVar variation 2584468 (VCV002584468.2), dbSNP rs2534860969, ClinGen allele CA2582341724.